The following is an entry in ClinVar:

ClinVar aggregate classification (germline): Conflicting classifications of pathogenicity. Review status: criteria provided, conflicting classifications (1 of 4 stars). 4 submissions from 4 submitters: Uncertain significance (1); Likely benign (2). 1 of the submissions does not count toward it. Last evaluated 2024-05-13.

Conditions:
Hennekam lymphangiectasia-lymphedema syndrome 2 (HKLLS2). Identifiers: Orphanet 2136, MedGen C4014939, MONDO:0014454, OMIM 616006.
Van Maldergem syndrome 2 (VMLDS2). Identifiers: Orphanet 314679, MedGen C3809875, MONDO:0014242, OMIM 615546.
FAT4-related disorder. Also called: FAT4-related condition.

Allele frequency attached by ClinVar (database versions not stated): gnomAD exomes 0.00001; ExAC 0.00002; ESP Exome Variant Server 0.00008; gnomAD 0.00009; TOPMed 0.00009.
gnomAD v4.1: 24 of 1,613,884 alleles (0.0015%); highest among the groups gnomAD compares: African/African-American, 0.032%; no homozygotes.

Submissions (4):

Fulgent Genetics
Classification: Uncertain significance for Van Maldergem syndrome 2; Hennekam lymphangiectasia-lymphedema syndrome 2. Last evaluated: 2024-05-13. Review status: criteria provided, single submitter. Criteria: ACMG Guidelines, 2015. Collection method: clinical testing. Allele origin: germline.

Labcorp Genetics (formerly Invitae), Labcorp
Classification: Likely benign. Last evaluated: 2024-05-04. Review status: criteria provided, single submitter. Criteria: Invitae Variant Classification Sherloc (09022015). Collection method: clinical testing. Allele origin: germline.

Blueprint Genetics
Classification: Likely benign. Last evaluated: 2023-04-05. Review status: criteria provided, single submitter. Criteria: ACMG Guidelines, 2015. Collection method: clinical testing. Allele origin: germline.

PreventionGenetics, part of Exact Sciences
Classification: Likely benign for FAT4-related condition. Last evaluated: 2021-12-30. Review status: no assertion criteria provided. Collection method: clinical testing. Allele origin: germline. Not counted in ClinVar's aggregate classification.
Comment: This variant is classified as likely benign based on ACMG/AMP sequence variant interpretation guidelines (Richards et al. 2015 PMID: 25741868, with internal and published modifications).

NM_001291303.3(FAT4):c.6729C>T (p.Ser2243=)

Gene: FAT4 (FAT atypical cadherin 4; plus strand). Cytogenetic location: 4q28.1.
Variant type: single nucleotide variant.
Coding change: c.6729C>T on transcript NM_001291303.3 (MANE Select); coding-DNA position 6729, C replaced by T.
Protein change: p.Ser2243=; no amino-acid change (serine 2243 retained).
Molecular consequence: synonymous variant.
Genome position (GRCh38, 1-based): chr4:125,415,692, C>T. VCF-style: chr4-125415692-C-T. GRCh37 (hg19) VCF-style: chr4-126336847-C-T.
Other names: c.6729C>T, p.Ser2243= (NM_001291285.3, NM_024582.6); c.6729C>T (NM_024582.4, NM_024582.5).
Identifiers: ClinVar variation 1577530 (VCV001577530.12), dbSNP rs368872163, ClinGen allele CA3072971.